The following is an entry in ClinVar:

NM_004517.4(ILK):c.247G>T (p.Val83Leu)

Genes: TAF10 (TATA-box binding protein associated factor 10; minus strand), ILK (integrin linked kinase; plus strand). Cytogenetic location: 11p15.4.
Variant type: single nucleotide variant.
Coding change: c.247G>T on transcript NM_004517.4 (MANE Select); coding-DNA position 247, G replaced by T.
Protein change: p.Val83Leu; replaces valine 83 with leucine.
Molecular consequence: missense variant. On other transcripts: 3 prime UTR variant (1), intron variant (1).
Genome position (GRCh38, 1-based): chr11:6,608,203, G>T. VCF-style: chr11-6608203-G-T. GRCh37 (hg19) VCF-style: chr11-6629433-G-T.
Other names: c.247G>T, p.Val83Leu (NM_001014794.3, NM_001014795.3, NM_001278441.2); c.*2719C>A (NM_006284.4); c.-147-191G>T (NM_001278442.2); short protein forms V83L.
Identifiers: ClinVar variation 3726342 (VCV003726342.2).

ClinVar aggregate classification (germline): Uncertain significance (1 of 4 stars; one submission).

Conditions:
Primary familial hypertrophic cardiomyopathy (HCM). Identifiers: Orphanet 99739, MedGen C0949658, MeSH D024741, MONDO:0024573. Inheritance: Various modes of inheritance.

Submission:

Labcorp Genetics (formerly Invitae), Labcorp
Classification: Uncertain significance for Primary familial hypertrophic cardiomyopathy. Last evaluated: 2024-11-28. Review status: criteria provided, single submitter. Criteria: Invitae Variant Classification Sherloc (09022015). Collection method: clinical testing. Allele origin: germline.
Comment: This sequence change replaces valine, which is neutral and non-polar, with leucine, which is neutral and non-polar, at codon 83 of the ILK protein (p.Val83Leu). This variant is not present in population databases (gnomAD no frequency). This variant has not been reported in the literature in individuals affected with ILK-related conditions. An algorithm developed to predict the effect of missense changes on protein structure and function (PolyPhen-2) suggests that this variant is likely to be tolerated. In summary, the available evidence is currently insufficient to determine the role of this variant in disease. Therefore, it has been classified as a Variant of Uncertain Significance.